The following is an entry in ClinVar:

NM_017882.3(CLN6):c.666-3C>T

Gene: CLN6 (CLN6 transmembrane ER protein; minus strand). Cytogenetic location: 15q23.
Variant type: single nucleotide variant.
Coding change: c.666-3C>T on transcript NM_017882.3 (MANE Select); 3 bases into the intron before coding-DNA position 666, C replaced by T.
Molecular consequence: intron variant.
Genome position (GRCh38, 1-based): chr15:68,208,413, G>A on the plus strand (C>T on the coding strand, the complement: CLN6 is on the minus strand). VCF-style: chr15-68208413-G-A. GRCh37 (hg19) VCF-style: chr15-68500751-G-A.
Identifiers: ClinVar variation 888281 (VCV000888281.9), dbSNP rs761161043, ClinGen allele CA7630497.
Genomic context (GRCh38, chr15:68,208,413, plus strand): 5'-CATGGCGAAGAAGGTGAAGATGAAGAGGATGAAGATCTGGCCCTCGGTGACCAGGTACCT[G>A]GAAAGGCCAGGGGTGAGTGAGGCAGCTGCCGTGGCAACCCCGTCCTGCCTGGCATCCCTT-3'

ClinVar aggregate classification (germline): Uncertain significance. Review status: criteria provided, multiple submitters, no conflicts (2 of 4 stars). 3 submissions from 3 submitters: Uncertain significance (3). Last evaluated 2022-07-17.

Conditions:
Neuronal ceroid lipofuscinosis. Also called: Neuronal Ceroid Lipofuscinoses. Identifiers: Orphanet 216, Orphanet 79263, MedGen C0027877, MONDO:0016295. Disease mechanism: loss of function.

Allele frequency attached by ClinVar (database versions not stated): gnomAD exomes below 0.00001; ExAC 0.00001; gnomAD 0.00001 and 0.00002; TOPMed 0.00001.
gnomAD v4.1: 11 of 1,612,118 alleles (0.00068%); highest among the groups gnomAD compares: Admixed American, 0.0017%; no homozygotes.

Submissions (3):

Labcorp Genetics (formerly Invitae), Labcorp
Classification: Uncertain significance for Neuronal ceroid lipofuscinosis. Last evaluated: 2022-07-17. Review status: criteria provided, single submitter. Criteria: Invitae Variant Classification Sherloc (09022015). Collection method: clinical testing. Allele origin: germline.
Comment: This sequence change falls in intron 6 of the CLN6 gene. It does not directly change the encoded amino acid sequence of the CLN6 protein. It affects a nucleotide within the consensus splice site. This variant is present in population databases (rs761161043, gnomAD 0.0009%). This variant has not been reported in the literature in individuals affected with CLN6-related conditions. ClinVar contains an entry for this variant (Variation ID: 888281). Variants that disrupt the consensus splice site are a relatively common cause of aberrant splicing (PMID: 17576681, 9536098). Algorithms developed to predict the effect of sequence changes on RNA splicing suggest that this variant is not likely to affect RNA splicing. In summary, the available evidence is currently insufficient to determine the role of this variant in disease. Therefore, it has been classified as a Variant of Uncertain Significance.

Illumina Laboratory Services, Illumina
Classification: Uncertain significance for Neuronal ceroid lipofuscinosis. Last evaluated: 2018-01-13. Review status: criteria provided, single submitter. Criteria: ICSL Variant Classification Criteria 13 December 2019. Collection method: clinical testing. Allele origin: germline.

Breakthrough Genomics
Classification: Uncertain significance. Review status: criteria provided, single submitter. Criteria: ACMG Guidelines, 2015. Collection method: not provided. Allele origin: germline. Inheritance: Autosomal recessive inheritance. Affected: yes.

Literature cited by the submitters: PubMed 17576681 (cited by Labcorp Genetics (formerly Invitae), Labcorp); PubMed 9536098 (cited by Labcorp Genetics (formerly Invitae), Labcorp).